The following is an entry in ClinVar:

NM_000535.7(PMS2):c.122A>T (p.Glu41Val)

Gene: PMS2 (PMS1 homolog 2, mismatch repair system component; minus strand). Cytogenetic location: 7p22.1.
Variant type: single nucleotide variant.
Coding change: c.122A>T on transcript NM_000535.7 (MANE Select); coding-DNA position 122, A replaced by T.
Protein change: p.Glu41Val; replaces glutamic acid 41 with valine.
Molecular consequence: missense variant. On other transcripts: 5 prime UTR variant (38), non-coding transcript variant (1), intron variant (7).
Genome position (GRCh38, 1-based): chr7:6,005,933, T>A on the plus strand (A>T on the coding strand, the complement: PMS2 is on the minus strand). VCF-style: chr7-6005933-T-A. GRCh37 (hg19) VCF-style: chr7-6045564-T-A.
Other names: c.-284A>T (NM_001018040.1, NM_001322003.2, NM_001322005.2 and 11 more transcripts); c.122A>T, p.Glu41Val (NM_001322006.2, NM_001322014.2, NM_001406868.1 and 10 more transcripts); c.-94A>T (NM_001322007.2, NM_001406876.1, NM_001406883.1 and 4 more transcripts); c.-763A>T (NM_001322011.2, NM_001322012.2); c.-363A>T (NM_001322015.2, NM_001406875.1, NM_001406877.1 and 2 more transcripts); c.308A>T, p.Glu103Val (NM_001406866.1); c.-310A>T (NM_001406880.1); c.-231A>T (NM_001406888.1, NM_001406889.1, NM_001406892.1 and 5 more transcripts); and 7 more; short protein forms E103V, E41V.
Identifiers: ClinVar variation 3075212 (VCV003075212.1), dbSNP rs1562701448, ClinGen allele CA366745022.

ClinVar aggregate classification (germline): Uncertain significance (1 of 4 stars; one submission).

Conditions:
Lynch syndrome. Identifiers: Orphanet 144, MedGen C4552100, MONDO:0005835. Disease mechanism: loss of function.

Submission:

All of Us Research Program, National Institutes of Health
Classification: Uncertain significance for Lynch syndrome. Last evaluated: 2024-01-11. Review status: criteria provided, single submitter. Criteria: ACMG Guidelines, 2015. Collection method: clinical testing. Allele origin: germline. Inheritance: Autosomal dominant inheritance. Observed: 1 variant allele, 1 heterozygote.
Comment: This study involves interpretation of variants in research participants for the purpose of population health screening. Participant phenotype was not available at the time of variant classification. Additional details can be found in publication PMID: 35346344, PMCID: PMC8962531